The following is an entry in ClinVar:

NM_015164.4(PLEKHM2):c.274C>T (p.Arg92Cys)

Gene: PLEKHM2 (pleckstrin homology and RUN domain containing M2; plus strand). Cytogenetic location: 1p36.21.
Variant type: single nucleotide variant.
Coding change: c.274C>T on transcript NM_015164.4 (MANE Select); coding-DNA position 274, C replaced by T.
Protein change: p.Arg92Cys; replaces arginine 92 with cysteine.
Molecular consequence: missense variant.
Genome position (GRCh38, 1-based): chr1:15,716,813, C>T. VCF-style: chr1-15716813-C-T. GRCh37 (hg19) VCF-style: chr1-16043308-C-T.
Other names: short protein forms R92C.
Identifiers: ClinVar variation 1060786 (VCV001060786.9), dbSNP rs886757579, ClinGen allele CA18290461.

ClinVar aggregate classification (germline): Uncertain significance (1 of 4 stars; one submission).

Allele frequency attached by ClinVar (database versions not stated): TOPMed below 0.00001; gnomAD exomes 0.00001 and 0.00002.

Submission:

Labcorp Genetics (formerly Invitae), Labcorp
Classification: Uncertain significance. Last evaluated: 2024-12-03. Review status: criteria provided, single submitter. Criteria: Invitae Variant Classification Sherloc (09022015). Collection method: clinical testing. Allele origin: germline.
Comment: This sequence change replaces arginine, which is basic and polar, with cysteine, which is neutral and slightly polar, at codon 92 of the PLEKHM2 protein (p.Arg92Cys). The frequency data for this variant in the population databases is considered unreliable, as metrics indicate poor data quality at this position in the gnomAD database. This variant has not been reported in the literature in individuals affected with PLEKHM2-related conditions. ClinVar contains an entry for this variant (Variation ID: 1060786). An algorithm developed to predict the effect of missense changes on protein structure and function (PolyPhen-2) suggests that this variant is likely to be disruptive. In summary, the available evidence is currently insufficient to determine the role of this variant in disease. Therefore, it has been classified as a Variant of Uncertain Significance.